The following is an entry in ClinVar:

NM_000179.3(MSH6):c.1234A>G (p.Lys412Glu)

Gene: MSH6 (mutS homolog 6; plus strand). Cytogenetic location: 2p16.3.
Variant type: single nucleotide variant.
Coding change: c.1234A>G on transcript NM_000179.3 (MANE Select); coding-DNA position 1234, A replaced by G.
Protein change: p.Lys412Glu; replaces lysine 412 with glutamic acid.
Molecular consequence: missense variant.
Genome position (GRCh38, 1-based): chr2:47,799,217, A>G. VCF-style: chr2-47799217-A-G. GRCh37 (hg19) VCF-style: chr2-48026356-A-G.
Other names: c.844A>G, p.Lys282Glu (NM_001281492.2); c.328A>G, p.Lys110Glu (NM_001281493.2, NM_001281494.2); short protein forms K110E, K282E, K412E.
Identifiers: ClinVar variation 853513 (VCV000853513.10), dbSNP rs1669310607, ClinGen allele CA346743676.

ClinVar aggregate classification (germline): Uncertain significance (1 of 4 stars; one submission).

Conditions:
Hereditary nonpolyposis colorectal neoplasms. Identifiers: MedGen C0009405, MeSH D003123.

Submission:

Labcorp Genetics (formerly Invitae), Labcorp
Classification: Uncertain significance for Hereditary nonpolyposis colorectal neoplasms. Last evaluated: 2019-04-01. Review status: criteria provided, single submitter. Criteria: Invitae Variant Classification Sherloc (09022015). Collection method: clinical testing. Allele origin: germline.
Comment: This sequence change replaces lysine with glutamic acid at codon 412 of the MSH6 protein (p.Lys412Glu). The lysine residue is weakly conserved and there is a small physicochemical difference between lysine and glutamic acid. This variant is not present in population databases (ExAC no frequency). This variant has not been reported in the literature in individuals with MSH6-related conditions. Algorithms developed to predict the effect of missense changes on protein structure and function are either unavailable or do not agree on the potential impact of this missense change (SIFT: "Tolerated"; PolyPhen-2: "Possibly Damaging"; Align-GVGD: "Class C0"). In summary, the available evidence is currently insufficient to determine the role of this variant in disease. Therefore, it has been classified as a Variant of Uncertain Significance.